The following is an entry in ClinVar:

ClinVar aggregate classification (germline): Uncertain significance (1 of 4 stars; one submission).

Conditions:
RPS24-related disorder. Also called: RPS24-related condition.

gnomAD v4.1: 1 of 1,502,252 alleles (0.000067%); highest among the groups gnomAD compares: Non-Finnish European, 0.000089%; no homozygotes.

Submission:

PreventionGenetics, part of Exact Sciences
Classification: Uncertain significance for RPS24-related condition. Last evaluated: 2025-12-03. Review status: criteria provided, single submitter. Criteria: ACMG Guidelines, 2015. Collection method: clinical testing. Allele origin: germline.
Comment: The RPS24 c.797G>A variant is predicted to result in the amino acid substitution p.Gly266Asp. To our knowledge, this variant has not been reported in the literature or in a large population database (gnomAD), indicating this variant is rare. At this time, the clinical significance of this variant is uncertain due to the absence of conclusive functional and genetic evidence.

NM_001142285.2(RPS24):c.797G>A (p.Gly266Asp)

Gene: RPS24 (ribosomal protein S24; plus strand). Cytogenetic location: 10q22.3.
Variant type: single nucleotide variant.
Coding change: c.797G>A on transcript NM_001142285.2; coding-DNA position 797, G replaced by A.
Protein change: p.Gly266Asp; replaces glycine 266 with aspartic acid.
Molecular consequence: missense variant.
Genome position (GRCh38, 1-based): chr10:78,054,937, G>A. VCF-style: chr10-78054937-G-A. GRCh37 (hg19) VCF-style: chr10-79814695-G-A.
Other names: short protein forms G266D.
Identifiers: ClinVar variation 4996553 (VCV004996553.1).
Genomic context (GRCh38, chr10:78,054,937, plus strand): 5'-AAGCCTTGTCAGCAACCTTGACTCTGTCACCCCACATCCAGGCCATCAACAAGTCTTTTG[G>A]CCCTTTCTTTGAAATCCACCAGGAATCCAGCTGCTTCTCCCCACCTTCCTGCCTCTCTGG-3'